The following is an entry in ClinVar:

NM_003722.5(TP63):c.190C>G (p.Gln64Glu)

Gene: TP63 (tumor protein p63; plus strand). Cytogenetic location: 3q28.
Variant type: single nucleotide variant.
Coding change: c.190C>G on transcript NM_003722.5 (MANE Select); coding-DNA position 190, C replaced by G.
Protein change: p.Gln64Glu; replaces glutamine 64 with glutamic acid.
Molecular consequence: missense variant.
Genome position (GRCh38, 1-based): chr3:189,737,867, C>G. VCF-style: chr3-189737867-C-G. GRCh37 (hg19) VCF-style: chr3-189455656-C-G.
Other names: c.190C>G, p.Gln64Glu (NM_001114978.2, NM_001114979.2, NM_001329144.2 and 1 more transcripts); c.184C>G, p.Gln62Glu (NM_001329964.2); short protein forms Q62E, Q64E.
Identifiers: ClinVar variation 3367750 (VCV003367750.1).
Genomic context (GRCh38, chr3:189,737,867, plus strand): 5'-ACACAGACAAATGAATTCCTCAGTCCAGAGGTTTTCCAGCATATCTGGGATTTTCTGGAA[C>G]AGTAAGTATAAAACAAGCAAGAAATGTTTTGCTTGAGCTAAATAGGTAAATGTGGGTGGT-3'
Protein context (NP_003713.3, residues 54-74): VFQHIWDFLE[Gln64Glu]PICSVQPIDL

ClinVar aggregate classification (germline): Uncertain significance (1 of 4 stars; one submission).

gnomAD v4.1: 4 of 1,613,640 alleles (0.00025%); highest among the groups gnomAD compares: Non-Finnish European, 0.00034%; no homozygotes.

Submission:

GeneDx
Classification: Uncertain significance. Last evaluated: 2024-01-09. Review status: criteria provided, single submitter. Criteria: GeneDx Variant Classification Process June 2021. Collection method: clinical testing. Allele origin: germline. Affected: yes.
Comment: Has not been previously published as pathogenic or benign to our knowledge; Not observed at significant frequency in large population cohorts (gnomAD); In silico analysis supports that this missense variant does not alter protein structure/function; This variant is associated with the following publications: (PMID: 12037717)